The following is an entry in ClinVar:

ClinVar aggregate classification (germline): Likely benign. Review status: criteria provided, single submitter (1 of 4 stars). 2 submissions from 2 submitters: Likely benign (1). 1 of the submissions does not count toward it. Last evaluated 2025-07-01.

Conditions:
RPS24-related disorder. Also called: RPS24-related condition.

Allele frequency attached by ClinVar (database versions not stated): TOPMed 0.00009; gnomAD exomes 0.00019; 1000 Genomes Project 30x 0.00016; ExAC 0.00025; gnomAD 0.00010; 1000 Genomes Project 0.00020.
gnomAD v4.1: 288 of 1,551,678 alleles (0.019%); highest among the groups gnomAD compares: Middle Eastern, 0.067%; 3 homozygotes.

Submissions (2):

CeGaT Center for Human Genetics Tuebingen
Classification: Likely benign. Last evaluated: 2025-07-01. Review status: criteria provided, single submitter. Criteria: CeGaT Center For Human Genetics Tuebingen Variant Classification Criteria Version 2. Collection method: clinical testing. Allele origin: germline. Affected: yes. Observed: 2 variant alleles.
Comment: RPS24: BP4, BS2

PreventionGenetics, part of Exact Sciences
Classification: Likely benign for RPS24-related condition. Last evaluated: 2021-11-18. Review status: no assertion criteria provided. Collection method: clinical testing. Allele origin: germline. Not counted in ClinVar's aggregate classification.
Comment: This variant is classified as likely benign based on ACMG/AMP sequence variant interpretation guidelines (Richards et al. 2015 PMID: 25741868, with internal and published modifications).

NM_001142285.2(RPS24):c.668C>T (p.Ser223Leu)

Gene: RPS24 (ribosomal protein S24; plus strand). Cytogenetic location: 10q22.3.
Variant type: single nucleotide variant.
Coding change: c.668C>T on transcript NM_001142285.2; coding-DNA position 668, C replaced by T.
Protein change: p.Ser223Leu; replaces serine 223 with leucine.
Molecular consequence: missense variant.
Genome position (GRCh38, 1-based): chr10:78,054,808, C>T. VCF-style: chr10-78054808-C-T. GRCh37 (hg19) VCF-style: chr10-79814566-C-T.
Other names: short protein forms S223L.
Identifiers: ClinVar variation 3025335 (VCV003025335.21), dbSNP rs111658974, ClinGen allele CA5572103.